The following is an entry in ClinVar:

ClinVar aggregate classification (germline): Uncertain significance (1 of 4 stars; one submission).

Submission:

Ambry Genetics
Classification: Uncertain significance. Last evaluated: 2024-11-23. Review status: criteria provided, single submitter. Criteria: Ambry Variant Classification Scheme 2023. Collection method: clinical testing. Allele origin: germline.
Comment: The p.P1052T variant (also known as c.3154C>A), located in coding exon 12 of the WNK2 gene, results from a C to A substitution at nucleotide position 3154. The proline at codon 1052 is replaced by threonine, an amino acid with highly similar properties. This amino acid position is conserved. In addition, the in silico prediction for this alteration is inconclusive. Based on the available evidence, the clinical significance of this variant remains unclear.

NM_006648.4(WNK2):c.3154C>A (p.Pro1052Thr)

Gene: WNK2 (WNK lysine deficient protein kinase 2; plus strand). Cytogenetic location: 9q22.31.
Variant type: single nucleotide variant.
Coding change: c.3154C>A on transcript NM_006648.4 (MANE Select); coding-DNA position 3154, C replaced by A.
Protein change: p.Pro1052Thr; replaces proline 1052 with threonine.
Molecular consequence: missense variant.
Genome position (GRCh38, 1-based): chr9:93,261,901, C>A. VCF-style: chr9-93261901-C-A. GRCh37 (hg19) VCF-style: chr9-96024183-C-A.
Other names: c.3154C>A, p.Pro1052Thr (NM_001282394.3); short protein forms P1052T.
Identifiers: ClinVar variation 3470335 (VCV003470335.1).